The following is an entry in ClinVar:

ClinVar aggregate classification (germline): Uncertain significance. Review status: criteria provided, multiple submitters, no conflicts (2 of 4 stars). 2 submissions from 2 submitters: Uncertain significance (2). Last evaluated 2024-09-10.

Allele frequency attached by ClinVar (database versions not stated): 1000 Genomes Project 30x 0.00016.
gnomAD v4.1: 98 of 700,418 alleles (0.014%); highest among the groups gnomAD compares: South Asian, 0.061%; no homozygotes.

Submissions (2):

Blueprint Genetics
Classification: Uncertain significance. Last evaluated: 2024-09-10. Review status: criteria provided, single submitter. Criteria: ACMG Guidelines, 2015. Collection method: clinical testing. Allele origin: germline.

Labcorp Genetics (formerly Invitae), Labcorp
Classification: Uncertain significance. Last evaluated: 2023-12-11. Review status: criteria provided, single submitter. Criteria: Invitae Variant Classification Sherloc (09022015). Collection method: clinical testing. Allele origin: germline.
Comment: This variant occurs in the RNU4ATAC gene, which encodes an RNA molecule that does not result in a protein product. This variant is present in population databases (rs549662600, gnomAD 0.08%). This variant has not been reported in the literature in individuals affected with RNU4ATAC-related conditions. ClinVar contains an entry for this variant (Variation ID: 1493436). Experimental studies and prediction algorithms are not available or were not evaluated, and the functional significance of this variant is currently unknown. In summary, the available evidence is currently insufficient to determine the role of this variant in disease. Therefore, it has been classified as a Variant of Uncertain Significance.

NC_000002.12:g.121530952C>G

Genes: CLASP1 (cytoplasmic linker associated protein 1; minus strand), CLASP1-AS1 (CLASP1 antisense RNA 1; plus strand), RNU4ATAC (RNA, U4atac small nuclear; plus strand). Cytogenetic location: 2q14.2.
Variant type: single nucleotide variant.
Molecular consequence: intron variant (on NM_001395891.1).
Genome position: GRCh38 VCF-style: chr2-121530952-C-G. GRCh37 (hg19) VCF-style: chr2-122288528-C-G.
Other names: c.196-627G>C (NM_001142274.2, NM_015282.3, NM_001378003.1 and 5 more transcripts).
Identifiers: ClinVar variation 1493436 (VCV001493436.5), dbSNP rs549662600, ClinGen allele CA1854721.